The following is an entry in ClinVar:

NM_004211.5(SLC6A5):c.115G>A (p.Glu39Lys)

Gene: SLC6A5 (solute carrier family 6 member 5; plus strand). Cytogenetic location: 11p15.1.
Variant type: single nucleotide variant.
Coding change: c.115G>A on transcript NM_004211.5 (MANE Select); coding-DNA position 115, G replaced by A.
Protein change: p.Glu39Lys; replaces glutamic acid 39 with lysine.
Molecular consequence: missense variant. On other transcripts: 5 prime UTR variant (1).
Genome position (GRCh38, 1-based): chr11:20,601,240, G>A. VCF-style: chr11-20601240-G-A. GRCh37 (hg19) VCF-style: chr11-20622786-G-A.
Other names: c.-449G>A (NM_001318369.2); short protein forms E39K.
Identifiers: ClinVar variation 2092358 (VCV002092358.3), dbSNP rs2494092802, ClinGen allele CA379910904.
Genomic context (GRCh38, chr11:20,601,240, plus strand): 5'-GCGGCGGCGGCGCAGGGCCACCCGGATGGCCCATGCGCTCCCAGGACGAGCCCGGAGCAG[G>A]AGCTTCCCGCGGCTGCCGCCCCGCCGCCGCCACGTGTGCCCAGGTCCGCTTCCACCGGCG-3'
Protein context (NP_004202.4, residues 29-49): PCAPRTSPEQ[Glu39Lys]LPAAAAPPPP

ClinVar aggregate classification (germline): Uncertain significance (1 of 4 stars; one submission).

Conditions:
Hyperekplexia 3 (HKPX3). Also called: HYPEREKPLEXIA 3, AUTOSOMAL RECESSIVE; HYPEREKPLEXIA 3, AUTOSOMAL DOMINANT. Identifiers: Orphanet 3197, MedGen C3553288, MONDO:0013827, OMIM 614618.

Submission:

Labcorp Genetics (formerly Invitae), Labcorp
Classification: Uncertain significance for Hyperekplexia 3. Last evaluated: 2024-10-25. Review status: criteria provided, single submitter. Criteria: Invitae Variant Classification Sherloc (09022015). Collection method: clinical testing. Allele origin: germline.
Comment: This sequence change replaces glutamic acid, which is acidic and polar, with lysine, which is basic and polar, at codon 39 of the SLC6A5 protein (p.Glu39Lys). This variant is not present in population databases (gnomAD no frequency). This variant has not been reported in the literature in individuals affected with SLC6A5-related conditions. ClinVar contains an entry for this variant (Variation ID: 2092358). Invitae Evidence Modeling of protein sequence and biophysical properties (such as structural, functional, and spatial information, amino acid conservation, physicochemical variation, residue mobility, and thermodynamic stability) indicates that this missense variant is not expected to disrupt SLC6A5 protein function with a negative predictive value of 95%. In summary, the available evidence is currently insufficient to determine the role of this variant in disease. Therefore, it has been classified as a Variant of Uncertain Significance.